The following is an entry in ClinVar:

ClinVar aggregate classification (germline): Uncertain significance (1 of 4 stars; one submission).

Conditions:
Hereditary cancer-predisposing syndrome. Also called: Tumor predisposition; Hereditary neoplastic syndrome; Hereditary Cancer Syndrome; Neoplastic Syndromes, Hereditary. Identifiers: Orphanet 140162, MedGen C0027672, MeSH D009386, MONDO:0015356.

Submission:

Ambry Genetics
Classification: Uncertain significance for Hereditary cancer-predisposing syndrome. Last evaluated: 2023-12-29. Review status: criteria provided, single submitter. Criteria: Ambry Variant Classification Scheme 2023. Collection method: clinical testing. Allele origin: germline.
Comment: The p.R682G variant (also known as c.2044C>G), located in coding exon 16 of the POLD1 gene, results from a C to G substitution at nucleotide position 2044. The arginine at codon 682 is replaced by glycine, an amino acid with dissimilar properties. This amino acid position is conserved. In addition, this alteration is predicted to be tolerated by in silico analysis. Since supporting evidence is limited at this time, the clinical significance of this alteration remains unclear.

NM_002691.4(POLD1):c.2044C>G (p.Arg682Gly)

Gene: POLD1 (DNA polymerase delta 1, catalytic subunit; plus strand). Cytogenetic location: 19q13.33.
Variant type: single nucleotide variant.
Coding change: c.2044C>G on transcript NM_002691.4 (MANE Select); coding-DNA position 2044, C replaced by G.
Protein change: p.Arg682Gly; replaces arginine 682 with glycine.
Molecular consequence: missense variant. On other transcripts: non-coding transcript variant (1).
Genome position (GRCh38, 1-based): chr19:50,409,556, C>G. VCF-style: chr19-50409556-C-G. GRCh37 (hg19) VCF-style: chr19-50912813-C-G.
Other names: c.2044C>G, p.Arg682Gly (NM_001256849.1); c.2122C>G, p.Arg708Gly (NM_001308632.1); short protein forms R682G, R708G.
Identifiers: ClinVar variation 3222711 (VCV003222711.1), dbSNP rs758260006, ClinGen allele CA406982512.